The following is an entry in ClinVar:

NM_000466.3(PEX1):c.1952_1960dup (p.Trp653_Met654insThrValTrp)

Gene: PEX1 (peroxisomal biogenesis factor 1; minus strand). Cytogenetic location: 7q21.2.
Variant type: Duplication.
Coding change: c.1952_1960dup on transcript NM_000466.3 (MANE Select); coding-DNA positions 1952 to 1960, 9 bases duplicated (CAGTGTGGA; older notation c.1952_1960dupCAGTGTGGA).
Protein change: p.Trp653_Met654insThrValTrp.
Molecular consequence: inframe insertion. On other transcripts: intron variant (1).
Genome position (GRCh38, 1-based): chr7:92,504,843-92,504,851, TCCACACTG duplicated on the plus strand (CAGTGTGGA on the coding strand, the reverse complement: PEX1 is on the minus strand). VCF-style (leftmost placement, unchanged base first): chr7-92504842-A-ATCCACACTG. GRCh37 (hg19) VCF-style: chr7-92134156-A-ATCCACACTG.
Other names: c.1328_1336dup, p.Trp445_Met446insThrValTrp (NM_001282678.2); c.1900+1397_1900+1405dup (NM_001282677.2); c.1952_1960dupCAGTGTGGA (NM_000466.3); c.1952_1960dup9 (NM_000466.2).
Identifiers: ClinVar variation 93102 (VCV000093102.19), dbSNP rs398123408, ClinGen allele CA220973.

ClinVar aggregate classification (germline): Pathogenic/Likely pathogenic. Review status: criteria provided, multiple submitters, no conflicts (2 of 4 stars). 10 submissions from 9 submitters: Pathogenic (5); Likely pathogenic (4). 1 of the submissions does not count toward it. Last evaluated 2025-12-15.

Conditions:
PEX1-related disorder. Also called: PEX1-related condition.
Zellweger spectrum disorders (ZS). Also called: Zellweger Spectrum Disorder; Zellweger Spectrum; Zellweger Spectrum Disorder (ZSD); Zellweger syndrome. Identifiers: Orphanet 912, MedGen C0043459, MONDO:0019609.
Heimler syndrome 1 (HMLR1). Also called: PEROXISOME BIOGENESIS DISORDER 1C. Identifiers: Orphanet 3220, MedGen C4551980, OMIM 234580, MONDO:0024544.
Peroxisome biogenesis disorder 1B (PBD1B). Also called: Refsum disease, infantile form; Infantile Refsum disease; Infantile form of phytanic acid storage disease; PEROXISOME BIOGENESIS DISORDER (NEONATAL ADRENOLEUKODYSTROPHY/INFANTILE REFSUM DISEASE); INFANTILE PHYTANIC ACID STORAGE DISEASE; PEROXISOME BIOGENESIS DISORDER (NALD/IRD). Identifiers: Orphanet 44, MedGen C0282527, MONDO:0011101, OMIM 601539.
Peroxisome biogenesis disorder 1A (Zellweger) (PBD1A). Also called: Peroxisome biogenesis disorder 1a; Zellweger leukodystrophy. Identifiers: MedGen C4721541, MONDO:0008953, OMIM 214100.
Peroxisome biogenesis disorder. Identifiers: Orphanet 79189, MedGen C1832200, MONDO:0019234. Disease mechanism: loss of function.

Allele frequency attached by ClinVar (database versions not stated): ExAC 0.00001; gnomAD exomes 0.00001 and 0.00002; gnomAD 0.00002; TOPMed 0.00002.

Submissions (10):

Natera, Inc.
Classification: Likely pathogenic for Zellweger syndrome. Last evaluated: 2025-12-15. Review status: criteria provided, single submitter. Criteria: Natera Variant Classification Schema (03/2026). Collection method: clinical testing. Allele origin: germline.
Comment: The c.1952_1960dupCAGTGTGGA variant in PEX1 is an in-frame insertion. This variant is rare in the general population with a frequency below the threshold expected for the associated phenotype(s). This variant has been observed in one or more individuals affected with the associated recessive disease, as either homozygous or compound heterozygous with a second variant (PMID: 21846392, 12032265). This variant results in a change to the protein length while preserving reading frame, which may disrupt normal protein structure or function. Computational prediction algorithms indicate this variant is likely to affect gene or protein function. Given the available evidence, this variant is classified as Likely Pathogenic.

Labcorp Genetics (formerly Invitae), Labcorp
Classification: Likely pathogenic for Zellweger spectrum disorders. Last evaluated: 2025-09-02. Review status: criteria provided, single submitter. Criteria: Invitae Variant Classification Sherloc (09022015). Collection method: clinical testing. Allele origin: germline.
Comment: This variant, c.1952_1960dup, results in the insertion of 3 amino acid(s) of the PEX1 protein (p.Trp653_Met654insThrValTrp), but otherwise preserves the integrity of the reading frame. This variant is present in population databases (rs398123408, gnomAD 0.003%). This variant has been observed in individual(s) with Zellweger spectrum disorder (PMID: 19105186, 21846392). ClinVar contains an entry for this variant (Variation ID: 93102). Experimental studies and prediction algorithms are not available or were not evaluated, and the functional significance of this variant is currently unknown. In summary, the currently available evidence indicates that the variant is pathogenic, but additional data are needed to prove that conclusively. Therefore, this variant has been classified as Likely Pathogenic.

PreventionGenetics, part of Exact Sciences
Classification: Likely pathogenic for PEX1-related condition. Last evaluated: 2024-12-20. Review status: criteria provided, single submitter. Criteria: ACMG Guidelines, 2015. Collection method: clinical testing. Allele origin: germline.
Comment: The PEX1 c.1952_1960dup9 variant is predicted to result in an in-frame duplication (p.Trp653_Met654insThrValTrp). This variant has been reported in multiple unrelated individuals with peroxisome biogenesis disorder (Reuber et al. 1997. PubMed ID: 9398847; Yik et al. 2009. PubMed ID: 19105186; Thoms et al. 2011. PubMed ID: 21846392). This variant is reported in 0.0026% of alleles in individuals of European (Non-Finnish) descent in gnomAD. The variant is interpreted to be likely pathogenic.

Blueprint Genetics
Classification: Pathogenic for PEX1-related disorders. Last evaluated: 2024-06-27. Review status: criteria provided, single submitter. Criteria: ACMG Guidelines, 2015. Collection method: clinical testing. Allele origin: germline. Affected: yes. Observed: 3 variant alleles.

Baylor Genetics
Classification: Pathogenic for Heimler syndrome 1. Last evaluated: 2024-01-22. Review status: criteria provided, single submitter. Criteria: ACMG Guidelines, 2015. Collection method: clinical testing. Allele origin: unknown.

Revvity Omics, Revvity
Classification: Pathogenic. Last evaluated: 2022-01-24. Review status: criteria provided, single submitter. Criteria: ACMG Guidelines, 2015. Collection method: clinical testing. Allele origin: germline.

Johns Hopkins Genomics, Johns Hopkins University
Classification: Likely pathogenic for Peroxisome biogenesis disorder 1A (Zellweger). Last evaluated: 2019-04-28. Review status: criteria provided, single submitter. Criteria: ACMG Guidelines, 2015. Collection method: clinical testing. Allele origin: germline.

Women's Health and Genetics/Laboratory Corporation of America, LabCorp
Classification: Pathogenic for Peroxisome biogenesis disorders, Zellweger syndrome spectrum. Last evaluated: 2018-08-24. Review status: criteria provided, single submitter. Criteria: LabCorp Variant Classification Summary - May 2015. Collection method: clinical testing. Allele origin: germline.
Comment: Variant summary: PEX1 c.1952_1960dupCAGTGTGGA (p.Trp653_Met654insThrValTrp) results in an in-frame insertion located within the ATPase, AAA-type, core domain that is predicted to insert 3 amino acids into the encoded protein. The variant allele was found at a frequency of 1.2e-05 in 246046 control chromosomes (gnomAD). The variant, c.1952_1960dupCAGTGTGGA has been reported in the literature in individuals affected with Zellweger Syndrome (Preuss_2002, Reuber_1997, Thoms_2011, Yik_2009). These data indicate that the variant is likely to be associated with disease. To our knowledge, no experimental evidence demonstrating an impact on protein function has been reported. No clinical diagnostic laboratories have submitted clinical-significance assessments for this variant to ClinVar after 2014. Based on the evidence outlined above, the variant was classified as pathogenic.

Baylor Genetics
Classification: Pathogenic for Peroxisome biogenesis disorder 1A (Zellweger); Peroxisome biogenesis disorder 1B. Review status: criteria provided, single submitter. Criteria: ACMG Guidelines, 2015. Collection method: clinical testing. Allele origin: germline.

Eurofins Ntd Llc (ga)
Classification: Pathogenic. Last evaluated: 2013-05-23. Review status: no assertion criteria provided. Collection method: clinical testing. Allele origin: germline. Observed: 2 variant alleles, 2 heterozygotes. Not counted in ClinVar's aggregate classification.

Literature cited by the submitters: PubMed 21846392 (cited by 3 submitters); PubMed 12032265 (cited by Natera, Inc. and Women's Health and Genetics/Laboratory Corporation of America, LabCorp); PubMed 19105186 (cited by Labcorp Genetics (formerly Invitae), Labcorp and Women's Health and Genetics/Laboratory Corporation of America, LabCorp); PubMed 9398847 (cited by Women's Health and Genetics/Laboratory Corporation of America, LabCorp); PubMed 23757202 (cited by Eurofins Ntd Llc (ga)).